The following is an entry in ClinVar:

ClinVar aggregate classification (germline): Likely benign (1 of 4 stars; one submission).

Conditions:
CREBBP-related disorder. Also called: CREBBP-related disorders; CREBBP-related condition.

gnomAD v4.1: 2 of 1,614,186 alleles (0.00012%); highest among the groups gnomAD compares: East Asian, 0.0022%; no homozygotes.

Submission:

PreventionGenetics, part of Exact Sciences
Classification: Likely benign for CREBBP-related condition. Last evaluated: 2025-07-29. Review status: criteria provided, single submitter. Criteria: ACMG Guidelines, 2015. Collection method: clinical testing. Allele origin: germline.
Comment: This variant is classified as likely benign based on ACMG/AMP sequence variant interpretation guidelines (Richards et al. 2015 PMID: 25741868, with internal and published modifications).

NM_004380.3(CREBBP):c.1476C>T (p.Tyr492=)

Gene: CREBBP (CREB binding lysine acetyltransferase; minus strand). Cytogenetic location: 16p13.3.
Variant type: single nucleotide variant.
Coding change: c.1476C>T on transcript NM_004380.3 (MANE Select); coding-DNA position 1476, C replaced by T.
Protein change: p.Tyr492=; no amino-acid change (tyrosine 492 retained).
Molecular consequence: synonymous variant.
Genome position (GRCh38, 1-based): chr16:3,782,781, G>A on the plus strand (C>T on the coding strand, the complement: CREBBP is on the minus strand). VCF-style: chr16-3782781-G-A. GRCh37 (hg19) VCF-style: chr16-3832782-G-A.
Other names: c.1362C>T, p.Tyr454= (NM_001079846.1).
Identifiers: ClinVar variation 5001633 (VCV005001633.1).